The following is an entry in ClinVar:

NM_000465.4(BARD1):c.157T>A (p.Cys53Ser)

Gene: BARD1 (BRCA1 associated RING domain 1; minus strand). Cytogenetic location: 2q35.
Variant type: single nucleotide variant.
Coding change: c.157T>A on transcript NM_000465.4 (MANE Select); coding-DNA position 157, T replaced by A.
Protein change: p.Cys53Ser; replaces cysteine 53 with serine.
Molecular consequence: missense variant. On other transcripts: non-coding transcript variant (3).
Genome position (GRCh38, 1-based): chr2:214,809,413, A>T on the plus strand (T>A on the coding strand, the complement: BARD1 is on the minus strand). VCF-style: chr2-214809413-A-T. GRCh37 (hg19) VCF-style: chr2-215674137-A-T.
Other names: c.157T>A, p.Cys53Ser (NM_001282543.2, NM_001282545.2, NM_001282548.2 and 1 more transcripts); short protein forms C53S.
Identifiers: ClinVar variation 1507529 (VCV001507529.9), dbSNP rs1354779388, ClinGen allele CA350464698.

ClinVar aggregate classification (germline): Uncertain significance (1 of 4 stars; one submission).

Conditions:
Familial cancer of breast. Also called: hereditary breast carcinoma; Hereditary breast cancer; BREAST CANCER, FAMILIAL. Identifiers: Orphanet 227535, MedGen C0346153, MONDO:0016419, OMIM 114480. Disease mechanism: loss of function.

Allele frequency attached by ClinVar (database versions not stated): gnomAD exomes below 0.00001; gnomAD 0.00001.
gnomAD v4.1: 2 of 1,612,278 alleles (0.00012%); highest among the groups gnomAD compares: Non-Finnish European, 0.00017%; no homozygotes.

Submission:

Labcorp Genetics (formerly Invitae), Labcorp
Classification: Uncertain significance for Familial cancer of breast. Last evaluated: 2021-07-25. Review status: criteria provided, single submitter. Criteria: Invitae Variant Classification Sherloc (09022015). Collection method: clinical testing. Allele origin: germline.
Comment: In summary, the available evidence is currently insufficient to determine the role of this variant in disease. Therefore, it has been classified as a Variant of Uncertain Significance. Algorithms developed to predict the effect of sequence changes on RNA splicing suggest that this variant may create or strengthen a splice site. Algorithms developed to predict the effect of missense changes on protein structure and function (SIFT, PolyPhen-2, Align-GVGD) all suggest that this variant is likely to be tolerated. This variant has not been reported in the literature in individuals affected with BARD1-related conditions. This variant is not present in population databases (ExAC no frequency). This sequence change replaces cysteine with serine at codon 53 of the BARD1 protein (p.Cys53Ser). The cysteine residue is highly conserved and there is a moderate physicochemical difference between cysteine and serine.